The following is an entry in ClinVar:

ClinVar aggregate classification (germline): Uncertain significance (1 of 4 stars; one submission).

Submission:

Labcorp Genetics (formerly Invitae), Labcorp
Classification: Uncertain significance. Last evaluated: 2024-08-12. Review status: criteria provided, single submitter. Criteria: Invitae Variant Classification Sherloc (09022015). Collection method: clinical testing. Allele origin: germline.
Comment: This sequence change replaces leucine, which is neutral and non-polar, with methionine, which is neutral and non-polar, at codon 359 of the SIX5 protein (p.Leu359Met). Information on the frequency of this variant in the gnomAD database is not available, as this variant may be reported differently in the database. This variant has not been reported in the literature in individuals affected with SIX5-related conditions. Experimental studies and prediction algorithms are not available or were not evaluated, and the functional significance of this variant is currently unknown. In summary, the available evidence is currently insufficient to determine the role of this variant in disease. Therefore, it has been classified as a Variant of Uncertain Significance.

NM_175875.5(SIX5):c.1074_1075delinsAA (p.Leu359Met)

Genes: SIX5 (SIX homeobox 5; minus strand), LOC107075317 (origin of replication in DMPK trinucleotide repeat region; plus strand). Cytogenetic location: 19q13.32.
Variant type: Indel.
Coding change: c.1074_1075delinsAA on transcript NM_175875.5 (MANE Select); coding-DNA positions 1074 to 1075, GC replaced by AA.
Protein change: p.Leu359Met; replaces leucine 359 with methionine.
Molecular consequence: missense variant.
Genome position (GRCh38, 1-based): chr19:45,766,884-45,766,885, GC replaced by TT on the plus strand (GC replaced by AA on the coding strand, the reverse complement: SIX5 is on the minus strand). VCF-style: chr19-45766884-GC-TT. GRCh37 (hg19) VCF-style: chr19-46270142-GC-TT.
Other names: short protein forms L359M.
Identifiers: ClinVar variation 3716864 (VCV003716864.2).
Genomic context (GRCh38, chr19:45,766,884, plus strand): 5'-CGCTGGCCCCCTGAGGGCTGGGCTGCGGTGGAGGGGCACCCCCGCCCCCAGTGAGCAGCA[GC>TT]GGGCCCAGGCTGGAGGCCTCGCCCAGGGCCAGGCCGTTGATGATGACGGGGCCCCCGTTG-3'
Protein context (NP_787071.3, residues 349-369): ALGEASSLGP[Leu359Met]LLTGGGGAPP